The following is an entry in ClinVar:

ClinVar aggregate classification (germline): Uncertain significance. Review status: criteria provided, multiple submitters, no conflicts (2 of 4 stars). 2 submissions from 2 submitters: Uncertain significance (2). Last evaluated 2023-03-24.

Conditions:
Hereditary cancer-predisposing syndrome. Also called: Tumor predisposition; Hereditary Cancer Syndrome; Neoplastic Syndromes, Hereditary; Hereditary neoplastic syndrome. Identifiers: Orphanet 140162, MedGen C0027672, MeSH D009386, MONDO:0015356.

Allele frequency attached by ClinVar (database versions not stated): gnomAD exomes below 0.00001.
gnomAD v4.1: 2 of 1,614,118 alleles (0.00012%); highest among the groups gnomAD compares: Non-Finnish European, 0.00017%; no homozygotes.

Submissions (2):

Blueprint Genetics
Classification: Uncertain significance. Last evaluated: 2023-03-24. Review status: criteria provided, single submitter. Criteria: ACMG Guidelines, 2015. Collection method: clinical testing. Allele origin: germline.

Ambry Genetics
Classification: Uncertain significance for Hereditary cancer-predisposing syndrome. Last evaluated: 2020-09-04. Review status: criteria provided, single submitter. Criteria: Ambry Variant Classification Scheme 2023. Collection method: clinical testing. Allele origin: germline.
Comment: The p.C465W variant (also known as c.1395T>G), located in coding exon 9 of the ATM gene, results from a T to G substitution at nucleotide position 1395. The cysteine at codon 465 is replaced by tryptophan, an amino acid with highly dissimilar properties. This amino acid position is highly conserved in available vertebrate species. In addition, this alteration is predicted to be deleterious by in silico analysis. Since supporting evidence is limited at this time, the clinical significance of this alteration remains unclear.

NM_000051.4(ATM):c.1395T>G (p.Cys465Trp)

Gene: ATM (ATM serine/threonine kinase; plus strand). Cytogenetic location: 11q22.3.
Variant type: single nucleotide variant.
Coding change: c.1395T>G on transcript NM_000051.4 (MANE Select); coding-DNA position 1395, T replaced by G.
Protein change: p.Cys465Trp; replaces cysteine 465 with tryptophan.
Molecular consequence: missense variant.
Genome position (GRCh38, 1-based): chr11:108,250,860, T>G. VCF-style: chr11-108250860-T-G. GRCh37 (hg19) VCF-style: chr11-108121587-T-G.
Other names: c.1395T>G, p.Cys465Trp (NM_001351834.2); short protein forms C465W.
Identifiers: ClinVar variation 482757 (VCV000482757.6), dbSNP rs1240144277, ClinGen allele CA382533911.